The following is an entry in ClinVar:

ClinVar aggregate classification (germline): Conflicting classifications of pathogenicity. Review status: criteria provided, conflicting classifications (1 of 4 stars). 2 submissions from 2 submitters: Uncertain significance (1); Likely benign (1). Last evaluated 2024-05-19.

Conditions:
Hereditary cancer-predisposing syndrome. Also called: Hereditary neoplastic syndrome; Neoplastic Syndromes, Hereditary; Hereditary Cancer Syndrome; Tumor predisposition. Identifiers: Orphanet 140162, MedGen C0027672, MeSH D009386, MONDO:0015356.
Gastrointestinal stromal tumor. Also called: Gastrointestinal stromal tumor, somatic; Gastrointestinal stroma tumor. Identifiers: Orphanet 44890, MedGen C0238198, MeSH D046152, MONDO:0011719, OMIM 606764, HP:0100723.

gnomAD v4.1: 1 of 1,613,986 alleles (0.000062%); highest among the groups gnomAD compares: East Asian, 0.0022%; no homozygotes.

Submissions (2):

Labcorp Genetics (formerly Invitae), Labcorp
Classification: Uncertain significance for Gastrointestinal stromal tumor. Last evaluated: 2024-05-19. Review status: criteria provided, single submitter. Criteria: Invitae Variant Classification Sherloc (09022015). Collection method: clinical testing. Allele origin: germline.
Comment: This sequence change replaces threonine, which is neutral and polar, with alanine, which is neutral and non-polar, at codon 496 of the PDGFRA protein (p.Thr496Ala). This variant is present in population databases (no rsID available, gnomAD 0.006%). This variant has not been reported in the literature in individuals affected with PDGFRA-related conditions. ClinVar contains an entry for this variant (Variation ID: 944453). Advanced modeling of protein sequence and biophysical properties (such as structural, functional, and spatial information, amino acid conservation, physicochemical variation, residue mobility, and thermodynamic stability) performed at Invitae indicates that this missense variant is not expected to disrupt PDGFRA protein function with a negative predictive value of 80%. In summary, the available evidence is currently insufficient to determine the role of this variant in disease. Therefore, it has been classified as a Variant of Uncertain Significance.

Ambry Genetics
Classification: Likely benign for Hereditary cancer-predisposing syndrome. Last evaluated: 2023-04-19. Review status: criteria provided, single submitter. Criteria: Ambry Variant Classification Scheme 2023. Collection method: clinical testing. Allele origin: germline.

NM_006206.6(PDGFRA):c.1486A>G (p.Thr496Ala)

Gene: PDGFRA (platelet derived growth factor receptor alpha; plus strand). Cytogenetic location: 4q12.
Variant type: single nucleotide variant.
Coding change: c.1486A>G on transcript NM_006206.6 (MANE Select); coding-DNA position 1486, A replaced by G.
Protein change: p.Thr496Ala; replaces threonine 496 with alanine.
Molecular consequence: missense variant.
Genome position (GRCh38, 1-based): chr4:54,273,658, A>G. VCF-style: chr4-54273658-A-G. GRCh37 (hg19) VCF-style: chr4-55139825-A-G.
Other names: c.1486A>G, p.Thr496Ala (NM_001347827.2, NM_001347829.2); c.1561A>G, p.Thr521Ala (NM_001347828.2); c.1525A>G, p.Thr509Ala (NM_001347830.2); short protein forms T509A, T496A, T521A.
Identifiers: ClinVar variation 944453 (VCV000944453.10), dbSNP rs778784351, ClinGen allele CA356892665.